The following is an entry in ClinVar:

NM_001261826.3(AP3D1):c.2266C>T (p.Arg756Cys)

Gene: AP3D1 (adaptor related protein complex 3 subunit delta 1; minus strand). Cytogenetic location: 19p13.3.
Variant type: single nucleotide variant.
Coding change: c.2266C>T on transcript NM_001261826.3 (MANE Select); coding-DNA position 2266, C replaced by T.
Protein change: p.Arg756Cys; replaces arginine 756 with cysteine.
Molecular consequence: missense variant.
Genome position (GRCh38, 1-based): chr19:2,115,302, G>A on the plus strand (C>T on the coding strand, the complement: AP3D1 is on the minus strand). VCF-style: chr19-2115302-G-A. GRCh37 (hg19) VCF-style: chr19-2115301-G-A.
Other names: c.2266C>T, p.Arg756Cys (NM_001374799.1, NM_003938.8); short protein forms R756C.
Identifiers: ClinVar variation 2984960 (VCV002984960.3), dbSNP rs1677640181, ClinGen allele CA403212875.

ClinVar aggregate classification (germline): Uncertain significance (1 of 4 stars; one submission).

Allele frequency attached by ClinVar (database versions not stated): gnomAD exomes below 0.00001; TOPMed below 0.00001.
gnomAD v4.1: 5 of 1,612,858 alleles (0.00031%); highest among the groups gnomAD compares: African/African-American, 0.0013%; no homozygotes.

Submission:

Labcorp Genetics (formerly Invitae), Labcorp
Classification: Uncertain significance. Last evaluated: 2025-12-19. Review status: criteria provided, single submitter. Criteria: Invitae Variant Classification Sherloc (09022015). Collection method: clinical testing. Allele origin: germline.
Comment: This sequence change replaces arginine, which is basic and polar, with cysteine, which is neutral and slightly polar, at codon 756 of the AP3D1 protein (p.Arg756Cys). This variant is not present in population databases (gnomAD no frequency). This variant has not been reported in the literature in individuals affected with AP3D1-related conditions. ClinVar contains an entry for this variant (Variation ID: 2984960). An algorithm developed to predict the effect of missense changes on protein structure and function (PolyPhen-2) suggests that this variant is likely to be disruptive. In summary, the available evidence is currently insufficient to determine the role of this variant in disease. Therefore, it has been classified as a Variant of Uncertain Significance.